The following is an entry in ClinVar:

NM_001042492.3(NF1):c.1179C>G (p.His393Gln)

Gene: NF1 (neurofibromin 1; plus strand). Cytogenetic location: 17q11.2.
Variant type: single nucleotide variant.
Coding change: c.1179C>G on transcript NM_001042492.3 (MANE Select); coding-DNA position 1179, C replaced by G.
Protein change: p.His393Gln; replaces histidine 393 with glutamine.
Molecular consequence: missense variant.
Genome position (GRCh38, 1-based): chr17:31,201,153, C>G. VCF-style: chr17-31201153-C-G. GRCh37 (hg19) VCF-style: chr17-29528171-C-G.
Other names: c.1179C>G, p.His393Gln (NM_000267.4, NM_001128147.3); short protein forms H393Q.
Identifiers: ClinVar variation 3634496 (VCV003634496.2).

ClinVar aggregate classification (germline): Uncertain significance (1 of 4 stars; one submission).

Conditions:
Neurofibromatosis, type 1 (NF1). Also called: VON RECKLINGHAUSEN DISEASE; Peripheral type neurofibromatosis; NEUROFIBROMATOSIS, TYPE I, SOMATIC; Neurofibromatosis, type I. Identifiers: Orphanet 636, MedGen C0027831, MONDO:0018975, OMIM 162200. Disease mechanism: loss of function.

Submission:

Labcorp Genetics (formerly Invitae), Labcorp
Classification: Uncertain significance for Neurofibromatosis, type 1. Last evaluated: 2024-06-28. Review status: criteria provided, single submitter. Criteria: Invitae Variant Classification Sherloc (09022015). Collection method: clinical testing. Allele origin: germline.
Comment: This sequence change replaces histidine, which is basic and polar, with glutamine, which is neutral and polar, at codon 393 of the NF1 protein (p.His393Gln). This variant is not present in population databases (gnomAD no frequency). This variant has not been reported in the literature in individuals affected with NF1-related conditions. Advanced modeling of protein sequence and biophysical properties (such as structural, functional, and spatial information, amino acid conservation, physicochemical variation, residue mobility, and thermodynamic stability) performed at Invitae indicates that this missense variant is not expected to disrupt NF1 protein function with a negative predictive value of 95%. In summary, the available evidence is currently insufficient to determine the role of this variant in disease. Therefore, it has been classified as a Variant of Uncertain Significance.